The following is an entry in ClinVar:

NM_001376013.1(EPB41):c.1744dup (p.Thr582fs)

Gene: EPB41 (erythrocyte membrane protein band 4.1; plus strand). Cytogenetic location: 1p35.3.
Variant type: Duplication.
Coding change: c.1744dup on transcript NM_001376013.1 (MANE Select); coding-DNA position 1744, one base duplicated (A; older notation c.1744dupA).
Protein change: p.Thr582fs; shifts the reading frame from threonine 582.
Molecular consequence: frameshift variant.
Genome position (GRCh38, 1-based): chr1:29,053,211, A duplicated; the last of 7 consecutive A bases (chr1:29,053,205-29,053,211); duplicating any one gives the same sequence. VCF-style (leftmost placement, unchanged base first): chr1-29053204-T-TA. GRCh37 (hg19) VCF-style: chr1-29379716-T-TA.
Other names: c.1744dup, p.Thr582fs (NM_001166005.2, NM_001166006.2, NM_001376014.1 and 5 more transcripts); c.1117dup, p.Thr373fs (NM_001166007.2, NM_001376022.1, NM_001376023.1 and 5 more transcripts); c.1741dup, p.Thr581fs (NM_001376018.1, NM_001376020.1); c.1114dup, p.Thr372fs (NM_001376026.1, NM_001376028.1); c.1639dup, p.Thr547fs (NM_203343.3); c.1744dupA (NM_001166005.1); c.1744dup (NM_001166005.1); short protein forms T372fs, T373fs, T547fs, T581fs, T582fs.
Identifiers: ClinVar variation 1163136 (VCV001163136.6), dbSNP rs2150754040, ClinGen allele CA416865888.

ClinVar aggregate classification (germline): Likely pathogenic. Review status: criteria provided, multiple submitters, no conflicts (2 of 4 stars). 2 submissions from 2 submitters: Likely pathogenic (2). Last evaluated 2023-05-20.

Conditions:
Elliptocytosis 1 (EL1). Also called: 4.1- TRAIT; 4.1-MINUS TRAIT; ELLIPTOCYTOSIS, RHESUS-LINKED TYPE; PROTEIN 4.1 OF ERYTHROCYTE MEMBRANE, DEFECT OF. Identifiers: Orphanet 288, MedGen C2678497, MONDO:0012731, OMIM 611804.

Submissions (2):

Neuberg Centre For Genomic Medicine, NCGM
Classification: Likely pathogenic for Elliptocytosis 1. Last evaluated: 2023-05-20. Review status: criteria provided, single submitter. Criteria: ACMG Guidelines, 2015. Collection method: clinical testing. Allele origin: germline. Inheritance: Autosomal recessive inheritance. Affected: yes.
Comment: The observed frameshift c.1744dup(p.Thr582AsnfsTer5) variant in EPB41 gene has not been reported previously as a pathogenic variant nor a benign variant, to our knowledge. The p.Thr582AsnfsTer5 variant is absent in gnomAD Exomes. This variant has been reported to the ClinVar database as Likely Pathogenic. This variant causes a frameshift starting with codon Threonine 582, changes this amino acid to Asparagine residue, and creates a premature Stop codon at position 5 of the new reading frame, denoted p.Thr582AsnfsTer5. This variant is predicted to cause loss of normal protein function through protein truncation. Loss of function variants have been previously reported to be disease causing. For these reasons, this variant has been classified as Likely Pathogenic.

Mayo Clinic Laboratories, Mayo Clinic
Classification: Likely pathogenic. Last evaluated: 2019-09-05. Review status: criteria provided, single submitter. Criteria: ACMG Guidelines, 2015. Collection method: clinical testing. Allele origin: germline. Observed: 1 variant allele.
Comment: PVS1, PM2